The following is an entry in ClinVar:

NM_001171613.2(PREPL):c.427C>T (p.Arg143Ter)

Gene: PREPL (prolyl endopeptidase like; minus strand). Cytogenetic location: 2p21.
Variant type: single nucleotide variant.
Coding change: c.427C>T on transcript NM_001171613.2 (MANE Select); coding-DNA position 427, C replaced by T.
Protein change: p.Arg143Ter; replaces arginine 143 with a stop codon.
Molecular consequence: nonsense.
Genome position (GRCh38, 1-based): chr2:44,342,475, G>A on the plus strand (C>T on the coding strand, the complement: PREPL is on the minus strand). VCF-style: chr2-44342475-G-A. GRCh37 (hg19) VCF-style: chr2-44569614-G-A.
Other names: c.694C>T, p.Arg232Ter (NM_006036.4, NM_001042385.2, NM_001042386.2 and 4 more transcripts); c.427C>T, p.Arg143Ter (NM_001171617.1, NM_001374277.1); short protein forms R232*, R143*.
Identifiers: ClinVar variation 573441 (VCV000573441.6), dbSNP rs1361739547, ClinGen allele CA346692834.

ClinVar aggregate classification (germline): Pathogenic (1 of 4 stars; one submission).

Conditions:
Myasthenic syndrome, congenital, 22 (CMS22). Also called: PREPL DEFICIENCY. Identifiers: MedGen C4479088, MONDO:0044299, OMIM 616224.

Allele frequency attached by ClinVar (database versions not stated): gnomAD 0.00001 and 0.00002; TOPMed 0.00002.
gnomAD v4.1: 7 of 1,612,670 alleles (0.00043%); highest among the groups gnomAD compares: Admixed American, 0.0017%; no homozygotes.

Submission:

Labcorp Genetics (formerly Invitae), Labcorp
Classification: Pathogenic for Myasthenic syndrome, congenital, 22. Last evaluated: 2023-10-22. Review status: criteria provided, single submitter. Criteria: Invitae Variant Classification Sherloc (09022015). Collection method: clinical testing. Allele origin: germline.
Comment: This sequence change creates a premature translational stop signal (p.Arg232*) in the PREPL gene. It is expected to result in an absent or disrupted protein product. Loss-of-function variants in PREPL are known to be pathogenic (PMID: 24610330, 28726805, 29913539). This variant is present in population databases (no rsID available, gnomAD 0.01%). This variant has not been reported in the literature in individuals affected with PREPL-related conditions. ClinVar contains an entry for this variant (Variation ID: 573441). For these reasons, this variant has been classified as Pathogenic.

Literature cited by the submitters: PubMed 24610330; PubMed 28726805; PubMed 29913539.